The following is an entry in ClinVar:

NM_001244008.2(KIF1A):c.1997C>G (p.Thr666Ser)

Gene: KIF1A (kinesin family member 1A; minus strand). Cytogenetic location: 2q37.3.
Variant type: single nucleotide variant.
Coding change: c.1997C>G on transcript NM_001244008.2 (MANE Select); coding-DNA position 1997, C replaced by G.
Protein change: p.Thr666Ser; replaces threonine 666 with serine.
Molecular consequence: missense variant.
Genome position (GRCh38, 1-based): chr2:240,763,044, G>C on the plus strand (C>G on the coding strand, the complement: KIF1A is on the minus strand). VCF-style: chr2-240763044-G-C. GRCh37 (hg19) VCF-style: chr2-241702461-G-C.
Other names: c.1997C>G, p.Thr666Ser (NM_001320705.2, NM_001330289.2, NM_001379638.1); c.2072C>G, p.Thr691Ser (NM_001330290.2, NM_001379631.1, NM_001379634.1 and 2 more transcripts); c.1970C>G, p.Thr657Ser (NM_001379632.1, NM_001379633.1, NM_001379636.1 and 11 more transcripts); c.2045C>G, p.Thr682Ser (NM_001379637.1, NM_001379648.1); short protein forms T666S, T682S, T657S, T691S.
Identifiers: ClinVar variation 1783612 (VCV001783612.2), dbSNP rs1359999577, ClinGen allele CA351326600.

ClinVar aggregate classification (germline): Uncertain significance (1 of 4 stars; one submission).

Conditions:
Inborn genetic diseases. Identifiers: MedGen C0950123, MeSH D030342.

Submission:

Ambry Genetics
Classification: Uncertain significance for Inborn genetic diseases. Last evaluated: 2019-08-30. Review status: criteria provided, single submitter. Criteria: Ambry Variant Classification Scheme 2023. Collection method: clinical testing. Allele origin: germline.
Comment: The p.T657S variant (also known as c.1970C>G), located in coding exon 20 of the KIF1A gene, results from a C to G substitution at nucleotide position 1970. The threonine at codon 657 is replaced by serine, an amino acid with similar properties. This amino acid position is not well conserved in available vertebrate species, and serine is the reference amino acid in other vertebrate species. In addition, this alteration is predicted to be tolerated by in silico analysis. Since supporting evidence is limited at this time, the clinical significance of this alteration remains unclear.